The following is an entry in ClinVar:

ClinVar aggregate classification (germline): Likely pathogenic (1 of 4 stars; one submission).

Conditions:
Chédiak-Higashi syndrome (CHS). Also called: Chediak-Higashi Syndrome. Identifiers: Orphanet 167, MedGen C0007965, MONDO:0008963, OMIM 214500.

Submission:

ISTH-SSC Genomics in Thrombosis and Hemostasis, KU Leuven, Center for Molecular and Vascular Biology
Classification: Likely pathogenic for Chédiak-Higashi syndrome. Review status: criteria provided, single submitter. Criteria: ACMG Guidelines, 2015. Collection method: clinical testing. Allele origin: germline. Affected: yes. Observed: 1 compound heterozygote.
Comment: Submitted to GoldVariant by Jose María Bastida and José Rivera; Grupo Español de Alteraciones Plaquetarias Congénitas (GEAPC)

NM_000081.4(LYST):c.10100del (p.Lys3367fs)

Genes: LYST (lysosomal trafficking regulator; minus strand), LOC126806063 (MED14-independent group 3 enhancer GRCh37_chr1:235871544-235872743; plus strand). Cytogenetic location: 1q42.3.
Variant type: Deletion.
Coding change: c.10100del on transcript NM_000081.4 (MANE Select); coding-DNA position 10100, one base deleted (A; older notation c.10100delA).
Protein change: p.Lys3367fs; shifts the reading frame from lysine 3367.
Molecular consequence: frameshift variant.
Genome position (GRCh38, 1-based): chr1:235,709,134, T deleted on the plus strand (A on the coding strand, the reverse complement: LYST is on the minus strand); the first of 4 consecutive T bases (chr1:235,709,134-235,709,137); deleting any one gives the same sequence. VCF-style (leftmost placement, unchanged base first): chr1-235709133-CT-C. GRCh37 (hg19) VCF-style: chr1-235872433-CT-C.
Other names: c.10100del, p.Lys3367fs (NM_001301365.1); c.10100delA (NM_000081.4); short protein forms K3367fs.
Identifiers: ClinVar variation 1691240 (VCV001691240.3), dbSNP rs2527363360, ClinGen allele CA2573133003.